The following is an entry in ClinVar:

NM_003737.4(DCHS1):c.9186C>T (p.Ala3062=)

Genes: DCHS1 (dachsous cadherin-related 1; minus strand), LOC130005209 (ATAC-STARR-seq lymphoblastoid active region 4351; plus strand). Cytogenetic location: 11p15.4.
Variant type: single nucleotide variant.
Coding change: c.9186C>T on transcript NM_003737.4 (MANE Select); coding-DNA position 9186, C replaced by T.
Protein change: p.Ala3062=; no amino-acid change (alanine 3062 retained).
Molecular consequence: synonymous variant.
Genome position (GRCh38, 1-based): chr11:6,622,490, G>A on the plus strand (C>T on the coding strand, the complement: DCHS1 is on the minus strand). VCF-style: chr11-6622490-G-A. GRCh37 (hg19) VCF-style: chr11-6643721-G-A.
Identifiers: ClinVar variation 749231 (VCV000749231.10), dbSNP rs143021997, ClinGen allele CA5859299.

ClinVar aggregate classification (germline): Likely benign. Review status: criteria provided, single submitter (1 of 4 stars). 2 submissions from 2 submitters: Likely benign (1). 1 of the submissions does not count toward it. Last evaluated 2025-08-18.

Conditions:
DCHS1-related disorder. Also called: DCHS1-related condition.

Allele frequency attached by ClinVar (database versions not stated): gnomAD exomes 0.00002 and 0.00009; 1000 Genomes Project 30x 0.00016; ExAC 0.00018; 1000 Genomes Project 0.00020; gnomAD 0.00028 and 0.00034; TOPMed 0.00041; ESP Exome Variant Server 0.00046.
gnomAD v4.1: 82 of 1,572,772 alleles (0.0052%); highest among the groups gnomAD compares: African/African-American, 0.1%; no homozygotes.

Submissions (2):

Labcorp Genetics (formerly Invitae), Labcorp
Classification: Likely benign. Last evaluated: 2025-08-18. Review status: criteria provided, single submitter. Criteria: Invitae Variant Classification Sherloc (09022015). Collection method: clinical testing. Allele origin: germline.

PreventionGenetics, part of Exact Sciences
Classification: Likely benign for DCHS1-related condition. Last evaluated: 2019-12-26. Review status: no assertion criteria provided. Collection method: clinical testing. Allele origin: germline. Not counted in ClinVar's aggregate classification.
Comment: This variant is classified as likely benign based on ACMG/AMP sequence variant interpretation guidelines (Richards et al. 2015 PMID: 25741868, with internal and published modifications).